The following is an entry in ClinVar:

NM_000038.6(APC):c.5503A>G (p.Arg1835Gly)

Gene: APC (APC regulator of Wnt signaling pathway; plus strand). Cytogenetic location: 5q22.2.
Variant type: single nucleotide variant.
Coding change: c.5503A>G on transcript NM_000038.6 (MANE Select); coding-DNA position 5503, A replaced by G.
Protein change: p.Arg1835Gly; replaces arginine 1835 with glycine.
Molecular consequence: missense variant.
Genome position (GRCh38, 1-based): chr5:112,841,097, A>G. VCF-style: chr5-112841097-A-G. GRCh37 (hg19) VCF-style: chr5-112176794-A-G.
Other names: c.5503A>G, p.Arg1835Gly (NM_001127510.3, NM_001354895.2); c.5449A>G, p.Arg1817Gly (NM_001127511.3); c.5557A>G, p.Arg1853Gly (NM_001354896.2); c.5533A>G, p.Arg1845Gly (NM_001354897.2); c.5428A>G, p.Arg1810Gly (NM_001354898.2); c.5419A>G, p.Arg1807Gly (NM_001354899.2); c.5380A>G, p.Arg1794Gly (NM_001354900.2); c.5326A>G, p.Arg1776Gly (NM_001354901.2); and 5 more; short protein forms R1817G, R1835G, R1552G, R1776G, R1794G, R1709G, R1744G, R1845G.
Identifiers: ClinVar variation 246257 (VCV000246257.15), dbSNP rs879254181, ClinGen allele CA10584256.

ClinVar aggregate classification (germline): Uncertain significance. Review status: criteria provided, multiple submitters, no conflicts (2 of 4 stars). 4 submissions from 4 submitters: Uncertain significance (4). Last evaluated 2024-11-08.

Conditions:
Hereditary cancer-predisposing syndrome. Also called: Hereditary neoplastic syndrome; Neoplastic Syndromes, Hereditary; Tumor predisposition; Hereditary Cancer Syndrome. Identifiers: Orphanet 140162, MedGen C0027672, MeSH D009386, MONDO:0015356.
Familial adenomatous polyposis 1 (FAP1). Also called: FAMILIAL ADENOMATOUS POLYPOSIS 1, ATTENUATED; POLYPOSIS, ADENOMATOUS INTESTINAL. Identifiers: MedGen C2713442, MONDO:0021056, OMIM 175100. Disease mechanism: loss of function.

Allele frequency attached by ClinVar (database versions not stated): gnomAD exomes below 0.00001.
gnomAD v4.1: 1 of 1,613,096 alleles (0.000062%); highest among the groups gnomAD compares: Non-Finnish European, 0.000085%; no homozygotes.

Submissions (4):

Ambry Genetics
Classification: Uncertain significance for Hereditary cancer-predisposing syndrome. Last evaluated: 2024-11-08. Review status: criteria provided, single submitter. Criteria: Ambry Variant Classification Scheme 2023. Collection method: clinical testing. Allele origin: germline.
Comment: The p.R1835G variant (also known as c.5503A>G), located in coding exon 15 of the APC gene, results from an A to G substitution at nucleotide position 5503. The arginine at codon 1835 is replaced by glycine, an amino acid with dissimilar properties. This amino acid position is well conserved in available vertebrate species. In addition, in silico predictors for this gene do not accurately predict pathogenicity. Based on the available evidence, the clinical significance of this variant remains unclear.

Labcorp Genetics (formerly Invitae), Labcorp
Classification: Uncertain significance for Familial adenomatous polyposis 1. Last evaluated: 2024-04-30. Review status: criteria provided, single submitter. Criteria: Invitae Variant Classification Sherloc (09022015). Collection method: clinical testing. Allele origin: germline.
Comment: This sequence change replaces arginine, which is basic and polar, with glycine, which is neutral and non-polar, at codon 1835 of the APC protein (p.Arg1835Gly). This variant is not present in population databases (gnomAD no frequency). This missense change has been observed in individual(s) with pancreatoblastoma and an individual with breast cancer (PMID: 26976419, 29535845). ClinVar contains an entry for this variant (Variation ID: 246257). Advanced modeling of protein sequence and biophysical properties (such as structural, functional, and spatial information, amino acid conservation, physicochemical variation, residue mobility, and thermodynamic stability) performed at Invitae indicates that this missense variant is not expected to disrupt APC protein function with a negative predictive value of 95%. Experimental studies have shown that this missense change affects APC function (PMID: 29535845). In summary, the available evidence is currently insufficient to determine the role of this variant in disease. Therefore, it has been classified as a Variant of Uncertain Significance.

Color Diagnostics, LLC DBA Color Health
Classification: Uncertain significance for Hereditary cancer-predisposing syndrome. Last evaluated: 2019-05-31. Review status: criteria provided, single submitter. Criteria: ACMG Guidelines, 2015. Collection method: clinical testing. Allele origin: germline.

GeneDx
Classification: Uncertain significance. Last evaluated: 2015-12-18. Review status: criteria provided, single submitter. Criteria: GeneDx Variant Classification (06012015). Collection method: clinical testing. Allele origin: germline. Affected: yes.
Comment: This variant is denoted APC c.5503A>G at the cDNA level, p.Arg1835Gly (R1835G) at the protein level, and results in the change of an Arginine to a Glycine (AGA>GGA). This variant has not, to our knowledge, been published in the literature as pathogenic or benign. APC Arg1835Gly was not observed in approximately 6,500 individuals of European and African American ancestry in the NHLBI Exome Sequencing Project, suggesting it is not a common benign variant in these populations. Since Arginine and Glycine differ in polarity, charge, size or other properties, this is considered a non-conservative amino acid substitution. APC Arg1835Gly occurs at a position where amino acids with properties similar to Arginine are tolerated across species and is located within a Beta-catenin down-regulating domain, SAMP repeats/axin binding domain, and within a Serine-rich region (Azzopardi 2008, UniProt). In silico analyses are inconsistent regarding the effect this variant may have on protein structure and function. Based on currently available evidence, it is unclear whether APC Arg1835Gly is pathogenic or benign. We consider it to be a variant of uncertain significance.

Literature cited by the submitters: PubMed 26976419 (cited by Labcorp Genetics (formerly Invitae), Labcorp); PubMed 29535845 (cited by Labcorp Genetics (formerly Invitae), Labcorp).